The following is an entry in ClinVar:

NM_000018.4(ACADVL):c.733G>T (p.Gly245Ter)

Gene: ACADVL (acyl-CoA dehydrogenase very long chain; plus strand). Cytogenetic location: 17p13.1.
Variant type: single nucleotide variant.
Coding change: c.733G>T on transcript NM_000018.4 (MANE Select); coding-DNA position 733, G replaced by T.
Protein change: p.Gly245Ter; replaces glycine 245 with a stop codon.
Molecular consequence: nonsense.
Genome position (GRCh38, 1-based): chr17:7,222,062, G>T. VCF-style: chr17-7222062-G-T. GRCh37 (hg19) VCF-style: chr17-7125381-G-T.
Other names: c.667G>T, p.Gly223Ter (NM_001033859.3); c.802G>T, p.Gly268Ter (NM_001270447.2); c.505G>T, p.Gly169Ter (NM_001270448.2); short protein forms G169*, G223*, G245*, G268*.
Identifiers: ClinVar variation 2680050 (VCV002680050.4), dbSNP rs2508299927, ClinGen allele CA397723562.

ClinVar aggregate classification (germline): Pathogenic/Likely pathogenic. Review status: criteria provided, multiple submitters, no conflicts (2 of 4 stars). 2 submissions from 2 submitters: Pathogenic (1); Likely pathogenic (1). Last evaluated 2023-10-26.

Conditions:
Very long chain acyl-CoA dehydrogenase deficiency (ACADVLD). Also called: VLCAD Deficiency; Very Long-Chain Acyl-Coenzyme A Dehydrogenase Deficiency. Identifiers: Orphanet 26793, MedGen C3887523, MONDO:0008723, OMIM 201475.

Submissions (2):

Baylor Genetics
Classification: Likely pathogenic for Very long chain acyl-CoA dehydrogenase deficiency. Last evaluated: 2023-10-26. Review status: criteria provided, single submitter. Criteria: ACMG Guidelines, 2015. Collection method: clinical testing. Allele origin: unknown.

Labcorp Genetics (formerly Invitae), Labcorp
Classification: Pathogenic for Very long chain acyl-CoA dehydrogenase deficiency. Last evaluated: 2022-12-16. Review status: criteria provided, single submitter. Criteria: Invitae Variant Classification Sherloc (09022015). Collection method: clinical testing. Allele origin: germline.
Comment: This sequence change creates a premature translational stop signal (p.Gly245*) in the ACADVL gene. It is expected to result in an absent or disrupted protein product. Loss-of-function variants in ACADVL are known to be pathogenic (PMID: 9973285, 11590124). This variant is not present in population databases (gnomAD no frequency). This variant has not been reported in the literature in individuals affected with ACADVL-related conditions. For these reasons, this variant has been classified as Pathogenic.

Literature cited by the submitters: PubMed 9973285 (cited by Labcorp Genetics (formerly Invitae), Labcorp); PubMed 11590124 (cited by Labcorp Genetics (formerly Invitae), Labcorp).